The following is an entry in ClinVar:

NM_000053.4(ATP7B):c.1121T>G (p.Val374Gly)

Gene: ATP7B (ATPase copper transporting beta; minus strand). Cytogenetic location: 13q14.3.
Variant type: single nucleotide variant.
Coding change: c.1121T>G on transcript NM_000053.4 (MANE Select); coding-DNA position 1121, T replaced by G.
Protein change: p.Val374Gly; replaces valine 374 with glycine.
Molecular consequence: missense variant. On other transcripts: intron variant (2).
Genome position (GRCh38, 1-based): chr13:51,974,099, A>C on the plus strand (T>G on the coding strand, the complement: ATP7B is on the minus strand). VCF-style: chr13-51974099-A-C. GRCh37 (hg19) VCF-style: chr13-52548235-A-C.
Other names: c.1121T>G, p.Val374Gly (NM_001406547.1, NM_001406548.1, NM_001005918.3 and 29 more transcripts); c.803-15T>G (NM_001243182.2); c.707-15T>G (NM_001406539.1); c.1025T>G, p.Val342Gly (NM_001406517.1, NM_001406518.1, NM_001406530.1 and 3 more transcripts); short protein forms V342G, V374G.
Identifiers: ClinVar variation 3069925 (VCV003069925.2), dbSNP rs767962948, ClinGen allele CA6989440.
Genomic context (GRCh38, chr13:51,974,099, plus strand): 5'-AAAGACACCGATATTTGCTGCACCCCTTCCAGTTGGGAGATCATGCCTTCAATGGAATGG[A>C]CACAGGATGCACAGGTCATGCCGGCAATGGCAATCAGAGTGGTACTGCATGTGCCCTGGA-3'
Protein context (NP_000044.2, residues 364-384): AIAGMTCASC[Val374Gly]HSIEGMISQL

ClinVar aggregate classification (germline): Uncertain significance (1 of 4 stars; one submission).

Conditions:
Wilson disease (WND). Also called: Wilson's disease. Identifiers: Orphanet 905, MedGen C0019202, MONDO:0010200, OMIM 277900. Disease mechanism: loss of function.

Allele frequency attached by ClinVar (database versions not stated): ExAC 0.00002.
gnomAD v4.1: 21 of 1,614,022 alleles (0.0013%); highest among the groups gnomAD compares: Non-Finnish European, 0.0016%; no homozygotes.

Submission:

All of Us Research Program, National Institutes of Health
Classification: Uncertain significance for Wilson disease. Last evaluated: 2024-03-05. Review status: criteria provided, single submitter. Criteria: ACMG Guidelines, 2015. Collection method: clinical testing. Allele origin: germline. Inheritance: Autosomal recessive inheritance. Observed: 2 variant alleles, 2 heterozygotes.
Comment: This missense variant replaces valine with glycine at codon 374 of the ATP7B protein. Computational prediction suggests that this variant may have deleterious impact on protein structure and function (internally defined REVEL score threshold >= 0.7, PMID: 27666373). To our knowledge, functional studies have not been reported for this variant. This variant has not been reported in individuals affected with ATP7B-related disorders in the literature. This variant has been identified in 3/249532 chromosomes in the general population by the Genome Aggregation Database (gnomAD). The available evidence is insufficient to determine the role of this variant in disease conclusively. Therefore, this variant is classified as a Variant of Uncertain Significance.

This study involves interpretation of variants in research participants for the purpose of population health screening. Participant phenotype was not available at the time of variant classification. Additional details can be found in publication PMID: 35346344, PMCID: PMC8962531